The following is an entry in ClinVar:

ClinVar aggregate classification (germline): Conflicting classifications of pathogenicity. Review status: criteria provided, conflicting classifications (1 of 4 stars). 6 submissions from 6 submitters: Uncertain significance (4); Likely benign (1). 1 of the submissions does not count toward it. Last evaluated 2025-05-30.

Conditions:
TCOF1-related disorder. Also called: TCOF1-related condition.
Treacher Collins syndrome. Also called: TREACHER COLLINS-FRANCESCHETTI SYNDROME. Identifiers: Orphanet 861, MedGen C0242387, MONDO:0002457.
Treacher Collins syndrome 1 (TCS1). Also called: TCOF1-Related Treacher Collins Syndrome. Identifiers: Orphanet 861, MedGen CN315775, MONDO:0007944, OMIM 154500.
Inborn genetic diseases. Identifiers: MedGen C0950123, MeSH D030342.

Allele frequency attached by ClinVar (database versions not stated): TOPMed 0.00007; gnomAD 0.00012; ExAC 0.00015; gnomAD exomes 0.00015; ESP Exome Variant Server 0.00023.
gnomAD v4.1: 230 of 1,592,458 alleles (0.014%); highest among the groups gnomAD compares: Non-Finnish European, 0.019%; no homozygotes.

Submissions (6):

Ambry Genetics
Classification: Uncertain significance for Inborn genetic diseases. Last evaluated: 2025-05-30. Review status: criteria provided, single submitter. Criteria: Ambry Variant Classification Scheme 2023. Collection method: clinical testing. Allele origin: germline.

GeneDx
Classification: Uncertain significance. Last evaluated: 2025-04-14. Review status: criteria provided, single submitter. Criteria: GeneDx Variant Classification Process June 2021. Collection method: clinical testing. Allele origin: germline. Affected: yes.
Comment: In silico analysis supports that this missense variant has a deleterious effect on protein structure/function; Has not been previously published as pathogenic or benign to our knowledge

Blueprint Genetics
Classification: Likely benign. Last evaluated: 2024-08-29. Review status: criteria provided, single submitter. Criteria: ACMG Guidelines, 2015. Collection method: clinical testing. Allele origin: germline.

Labcorp Genetics (formerly Invitae), Labcorp
Classification: Uncertain significance for Treacher Collins syndrome 1. Last evaluated: 2023-05-09. Review status: criteria provided, single submitter. Criteria: Invitae Variant Classification Sherloc (09022015). Collection method: clinical testing. Allele origin: germline.
Comment: In summary, the available evidence is currently insufficient to determine the role of this variant in disease. Therefore, it has been classified as a Variant of Uncertain Significance. This variant has not been reported in the literature in individuals affected with TCOF1-related conditions. This variant is present in population databases (rs376171678, gnomAD 0.01%). This sequence change replaces serine, which is neutral and polar, with leucine, which is neutral and non-polar, at codon 1350 of the TCOF1 protein (p.Ser1350Leu). ClinVar contains an entry for this variant (Variation ID: 2456453). Algorithms developed to predict the effect of missense changes on protein structure and function output the following: SIFT: "Not Available"; PolyPhen-2: "Possibly Damaging"; Align-GVGD: "Not Available". The leucine amino acid residue is found in multiple mammalian species, which suggests that this missense change does not adversely affect protein function.

Department of Pathology and Laboratory Medicine, Sinai Health System
Classification: Uncertain significance for Treacher-Collins syndrome. Last evaluated: 2021-01-25. Review status: criteria provided, single submitter. Criteria: ACMG Guidelines, 2015. Collection method: research. Allele origin: germline.

PreventionGenetics, part of Exact Sciences
Classification: Uncertain significance for TCOF1-related condition. Last evaluated: 2024-02-28. Review status: no assertion criteria provided. Collection method: clinical testing. Allele origin: germline. Not counted in ClinVar's aggregate classification.
Comment: The TCOF1 c.4049C>T variant is predicted to result in the amino acid substitution p.Ser1350Leu. To our knowledge, this variant has not been reported in the literature. This variant is reported in 0.013% of alleles in individuals of European (Non-Finnish) descent in gnomAD. Although we suspect that this variant may be benign, at this time, the clinical significance of this variant is uncertain due to the absence of conclusive functional and genetic evidence.

NM_001371623.1(TCOF1):c.4052C>T (p.Ser1351Leu)

Gene: TCOF1 (treacle ribosome biogenesis factor 1; plus strand). Cytogenetic location: 5q32.
Variant type: single nucleotide variant.
Coding change: c.4052C>T on transcript NM_001371623.1 (MANE Select); coding-DNA position 4052, C replaced by T.
Protein change: p.Ser1351Leu; replaces serine 1351 with leucine.
Molecular consequence: missense variant.
Genome position (GRCh38, 1-based): chr5:150,396,549, C>T. VCF-style: chr5-150396549-C-T. GRCh37 (hg19) VCF-style: chr5-149776112-C-T.
Other names: c.3818C>T, p.Ser1273Leu (NM_000356.4); c.4049C>T, p.Ser1350Leu (NM_001135243.2); c.3938C>T, p.Ser1313Leu (NM_001135244.2); c.3821C>T, p.Ser1274Leu (NM_001135245.2); c.3935C>T, p.Ser1312Leu (NM_001195141.2); short protein forms S1273L, S1312L, S1313L, S1274L, S1350L, S1351L.
Identifiers: ClinVar variation 2456453 (VCV002456453.11), dbSNP rs376171678, ClinGen allele CA3511656.